The following is an entry in ClinVar:

NM_001365951.3(KIF1B):c.2143C>A (p.Gln715Lys)

Gene: KIF1B (kinesin family member 1B; plus strand). Cytogenetic location: 1p36.22.
Variant type: single nucleotide variant.
Coding change: c.2143C>A on transcript NM_001365951.3 (MANE Select); coding-DNA position 2143, C replaced by A.
Protein change: p.Gln715Lys; replaces glutamine 715 with lysine.
Molecular consequence: missense variant.
Genome position (GRCh38, 1-based): chr1:10,320,070, C>A. VCF-style: chr1-10320070-C-A. GRCh37 (hg19) VCF-style: chr1-10380128-C-A.
Other names: c.2143C>A, p.Gln715Lys (NM_001365952.1); c.2005C>A, p.Gln669Lys (NM_015074.3); short protein forms Q669K, Q715K.
Identifiers: ClinVar variation 4688559 (VCV004688559.1).

ClinVar aggregate classification (germline): Uncertain significance (1 of 4 stars; one submission).

Submission:

Women's Health and Genetics/Laboratory Corporation of America, LabCorp
Classification: Uncertain significance. Last evaluated: 2025-12-04. Review status: criteria provided, single submitter. Criteria: LabCorp Variant Classification Summary - May 2015. Collection method: clinical testing. Allele origin: germline.
Comment: Variant summary: KIF1B c.2005C>A (p.Gln669Lys) results in a conservative amino acid change in the encoded protein sequence. Algorithms developed to predict the effect of missense changes on protein structure and function are either unavailable or do not agree on the potential impact of this missense change. The variant was absent in 251242 control chromosomes. The available data on variant occurrences in the general population are insufficient to allow any conclusion about variant significance. To our knowledge, no occurrence of c.2005C>A in individuals affected with KIF1B-related conditions and no experimental evidence demonstrating its impact on protein function have been reported. No submitters have cited clinical-significance assessments for this variant to ClinVar. Based on the evidence outlined above, the variant was classified as uncertain significance.